The following is an entry in ClinVar:

ClinVar aggregate classification (germline): Uncertain significance (1 of 4 stars; one submission).

Allele frequency attached by ClinVar (database versions not stated): gnomAD 0.00001; gnomAD exomes 0.00002; ExAC 0.00003; TOPMed 0.00004; ESP Exome Variant Server 0.00015.

Submission:

Labcorp Genetics (formerly Invitae), Labcorp
Classification: Uncertain significance. Last evaluated: 2022-03-09. Review status: criteria provided, single submitter. Criteria: Invitae Variant Classification Sherloc (09022015). Collection method: clinical testing. Allele origin: germline.
Comment: This sequence change replaces alanine, which is neutral and non-polar, with threonine, which is neutral and polar, at codon 392 of the ADAMTSL4 protein (p.Ala392Thr). This variant is present in population databases (rs150241051, gnomAD 0.006%). This variant has not been reported in the literature in individuals affected with ADAMTSL4-related conditions. Algorithms developed to predict the effect of missense changes on protein structure and function are either unavailable or do not agree on the potential impact of this missense change (SIFT: "Deleterious"; PolyPhen-2: "Possibly Damaging"; Align-GVGD: "Class C0"). In summary, the available evidence is currently insufficient to determine the role of this variant in disease. Therefore, it has been classified as a Variant of Uncertain Significance.

NM_019032.6(ADAMTSL4):c.1174G>A (p.Ala392Thr)

Genes: ADAMTSL4 (ADAMTS like 4; plus strand), ADAMTSL4-AS2 (ADAMTSL4 antisense RNA 2; minus strand). Cytogenetic location: 1q21.2.
Variant type: single nucleotide variant.
Coding change: c.1174G>A on transcript NM_019032.6 (MANE Select); coding-DNA position 1174, G replaced by A.
Protein change: p.Ala392Thr; replaces alanine 392 with threonine.
Molecular consequence: missense variant.
Genome position (GRCh38, 1-based): chr1:150,554,407, G>A. VCF-style: chr1-150554407-G-A. GRCh37 (hg19) VCF-style: chr1-150526883-G-A.
Other names: c.1174G>A, p.Ala392Thr (NM_001288607.2, NM_001288608.2, NM_001378596.1 and 1 more transcripts); short protein forms A392T.
Identifiers: ClinVar variation 1509436 (VCV001509436.3), dbSNP rs150241051, ClinGen allele CA1078158.